The following is an entry in ClinVar:

ClinVar aggregate classification (germline): Conflicting classifications of pathogenicity. Review status: criteria provided, conflicting classifications (1 of 4 stars). 2 submissions from 2 submitters: Uncertain significance (1); Likely benign (1). Last evaluated 2025-02-03.

Conditions:
Hereditary nonpolyposis colorectal neoplasms. Identifiers: MedGen C0009405, MeSH D003123.
Hereditary cancer-predisposing syndrome. Also called: Hereditary Cancer Syndrome; Neoplastic Syndromes, Hereditary; Tumor predisposition; Hereditary neoplastic syndrome. Identifiers: Orphanet 140162, MedGen C0027672, MeSH D009386, MONDO:0015356.

gnomAD v4.1: 1 of 1,612,090 alleles (0.000062%); highest among the groups gnomAD compares: Non-Finnish European, 0.000085%; no homozygotes.

Submissions (2):

Labcorp Genetics (formerly Invitae), Labcorp
Classification: Uncertain significance for Hereditary nonpolyposis colorectal neoplasms. Last evaluated: 2025-02-03. Review status: criteria provided, single submitter. Criteria: Invitae Variant Classification Sherloc (09022015). Collection method: clinical testing. Allele origin: germline.
Comment: This sequence change replaces alanine, which is neutral and non-polar, with serine, which is neutral and polar, at codon 23 of the MSH6 protein (p.Ala23Ser). This variant is not present in population databases (gnomAD no frequency). This variant has not been reported in the literature in individuals affected with MSH6-related conditions. ClinVar contains an entry for this variant (Variation ID: 1023383). Invitae Evidence Modeling of protein sequence and biophysical properties (such as structural, functional, and spatial information, amino acid conservation, physicochemical variation, residue mobility, and thermodynamic stability) indicates that this missense variant is not expected to disrupt MSH6 protein function with a negative predictive value of 95%. In summary, the available evidence is currently insufficient to determine the role of this variant in disease. Therefore, it has been classified as a Variant of Uncertain Significance.

Ambry Genetics
Classification: Likely benign for Hereditary cancer-predisposing syndrome. Last evaluated: 2024-02-27. Review status: criteria provided, single submitter. Criteria: Ambry Variant Classification Scheme 2023. Collection method: clinical testing. Allele origin: germline.

Literature cited by the submitters: PubMed 36243179 (cited by Ambry Genetics).

NM_000179.3(MSH6):c.67G>T (p.Ala23Ser)

Gene: MSH6 (mutS homolog 6; plus strand). Cytogenetic location: 2p16.3.
Variant type: single nucleotide variant.
Coding change: c.67G>T on transcript NM_000179.3 (MANE Select); coding-DNA position 67, G replaced by T.
Protein change: p.Ala23Ser; replaces alanine 23 with serine.
Molecular consequence: missense variant. On other transcripts: 5 prime UTR variant (1).
Genome position (GRCh38, 1-based): chr2:47,783,300, G>T. VCF-style: chr2-47783300-G-T. GRCh37 (hg19) VCF-style: chr2-48010439-G-T.
Other names: c.67G>T, p.Ala23Ser (NM_001281492.2); c.-670G>T (NM_001281493.2); short protein forms A23S.
Identifiers: ClinVar variation 1023383 (VCV001023383.11), dbSNP rs730881810, ClinGen allele CA346734779.